The following is an entry in ClinVar:

NM_014712.3(SETD1A):c.4582-2A>G

Gene: SETD1A (SET domain containing 1A, histone lysine methyltransferase; plus strand). Cytogenetic location: 16p11.2.
Variant type: single nucleotide variant.
Coding change: c.4582-2A>G on transcript NM_014712.3 (MANE Select); the canonical splice acceptor site of the intron before coding-DNA position 4582, A replaced by G.
Molecular consequence: splice acceptor variant.
Genome position (GRCh38, 1-based): chr16:30,980,737, A>G. VCF-style: chr16-30980737-A-G. GRCh37 (hg19) VCF-style: chr16-30992058-A-G.
Identifiers: ClinVar variation 4688037 (VCV004688037.1).

ClinVar aggregate classification (germline): Likely benign (1 of 4 stars; one submission).

Conditions:
Epilepsy, early-onset, with or without developmental delay. Identifiers: MedGen C5882670, MONDO:0030005, OMIM 618832.

gnomAD v4.1: 15 of 1,612,450 alleles (0.00093%); highest among the groups gnomAD compares: East Asian, 0.0022%; no homozygotes.

Submission:

Centre for Medical Genetics,  Mumbai
Classification: Likely benign for Epilepsy, early-onset, with or without developmental delay. Last evaluated: 2026-01-29. Review status: criteria provided, single submitter. Criteria: ACMG Guidelines, 2015. Collection method: provider interpretation. Allele origin: germline. Inheritance: Autosomal dominant inheritance. Affected: no. Observed: 1 heterozygote.
Comment: The variant satisfies PVS1 criteria; Null variant in a gene where loss of function is a known mechanism of disease. The variant satisfies PM2 criteria; Extremely low frequency in gnomAD population databases. However, the variant satisfies BS2 criteria.

Literature cited by the submitters: PubMed 31197650.